The following is an entry in ClinVar:

ClinVar aggregate classification (germline): Uncertain significance. Review status: criteria provided, multiple submitters, no conflicts (2 of 4 stars). 3 submissions from 3 submitters: Uncertain significance (3). Last evaluated 2025-10-23.

Conditions:
CFB-related disorder. Also called: CFB-related disorders; CFB-related condition.
Inborn genetic diseases. Identifiers: MedGen C0950123, MeSH D030342.

gnomAD v4.1: 58 of 1,613,178 alleles (0.0036%); highest among the groups gnomAD compares: Non-Finnish European, 0.0046%; no homozygotes.

Submissions (3):

Labcorp Genetics (formerly Invitae), Labcorp
Classification: Uncertain significance. Last evaluated: 2025-10-23. Review status: criteria provided, single submitter. Criteria: Invitae Variant Classification Sherloc (09022015). Collection method: clinical testing. Allele origin: germline.
Comment: This sequence change replaces glutamic acid, which is acidic and polar, with lysine, which is basic and polar, at codon 232 of the CFB protein (p.Glu232Lys). This variant is present in population databases (rs141965248, gnomAD 0.006%). This variant has not been reported in the literature in individuals affected with CFB-related conditions. ClinVar contains an entry for this variant (Variation ID: 3491516). Invitae Evidence Modeling of protein sequence and biophysical properties (such as structural, functional, and spatial information, amino acid conservation, physicochemical variation, residue mobility, and thermodynamic stability) indicates that this missense variant is not expected to disrupt CFB protein function with a negative predictive value of 80%. In summary, the available evidence is currently insufficient to determine the role of this variant in disease. Therefore, it has been classified as a Variant of Uncertain Significance.

PreventionGenetics, part of Exact Sciences
Classification: Uncertain significance for CFB-related condition. Last evaluated: 2025-06-28. Review status: criteria provided, single submitter. Criteria: ACMG Guidelines, 2015. Collection method: clinical testing. Allele origin: germline.
Comment: The CFB c.694G>A variant is predicted to result in the amino acid substitution p.Glu232Lys. To our knowledge, this variant has not been reported in the literature. This variant is reported in 0.0055% of alleles in individuals of East Asian descent in gnomAD. At this time, the clinical significance of this variant is uncertain due to the absence of conclusive functional and genetic evidence.

Ambry Genetics
Classification: Uncertain significance for Inborn genetic diseases. Last evaluated: 2024-07-25. Review status: criteria provided, single submitter. Criteria: Ambry Variant Classification Scheme 2023. Collection method: clinical testing. Allele origin: germline.

NM_001710.6(CFB):c.694G>A (p.Glu232Lys)

Gene: CFB (complement factor B; plus strand). Cytogenetic location: 6p21.33.
Variant type: single nucleotide variant.
Coding change: c.694G>A on transcript NM_001710.6 (MANE Select); coding-DNA position 694, G replaced by A.
Protein change: p.Glu232Lys; replaces glutamic acid 232 with lysine.
Molecular consequence: missense variant.
Genome position (GRCh38, 1-based): chr6:31,947,777, G>A. VCF-style: chr6-31947777-G-A. GRCh37 (hg19) VCF-style: chr6-31915554-G-A.
Other names: short protein forms E232K.
Identifiers: ClinVar variation 3491516 (VCV003491516.4).